The following is an entry in ClinVar:

ClinVar aggregate classification (germline): Pathogenic (1 of 4 stars; one submission).

Submission:

GeneDx
Classification: Pathogenic. Last evaluated: 2025-05-20. Review status: criteria provided, single submitter. Criteria: GeneDx Variant Classification Process June 2021. Collection method: clinical testing. Allele origin: germline. Affected: yes.
Comment: Frameshift variant predicted to result in protein truncation or nonsense mediated decay in a gene for which loss of function is a known mechanism of disease; Not observed at significant frequency in large population cohorts (gnomAD); Has not been previously published as pathogenic or benign to our knowledge

NM_002816.5(PSMD12):c.685_689del (p.Leu229fs)

Gene: PSMD12 (proteasome 26S subunit, non-ATPase 12; minus strand). Cytogenetic location: 17q24.2.
Variant type: Deletion.
Coding change: c.685_689del on transcript NM_002816.5 (MANE Select); coding-DNA positions 685 to 689, 5 bases deleted (TTAAT; older notation c.685_689delTTAAT).
Protein change: p.Leu229fs; shifts the reading frame from leucine 229.
Molecular consequence: frameshift variant.
Genome position (GRCh38, 1-based): chr17:67,347,222-67,347,226, ATTAA deleted on the plus strand (TTAAT on the coding strand, the reverse complement: PSMD12 is on the minus strand); deleting any 5 consecutive bases within chr17:67,347,222-67,347,230 gives the same sequence; the c. name uses the placement nearest the transcript's 3' end. VCF-style (leftmost placement, unchanged base first): chr17-67347221-CATTAA-C. GRCh37 (hg19) VCF-style: chr17-65343337-CATTAA-C.
Other names: c.508_512del, p.Leu170fs (NM_001316341.2); c.625_629del, p.Leu209fs (NM_174871.4); short protein forms L170fs, L209fs, L229fs.
Identifiers: ClinVar variation 4530839 (VCV004530839.1).